The following is an entry in ClinVar:

ClinVar aggregate classification (germline): Uncertain significance (1 of 4 stars; one submission).

Conditions:
Neurofibromatosis, type 2 (SWNV). Also called: BILATERAL ACOUSTIC NEUROFIBROMATOSIS; NF2-Related Schwannomatosis; SCHWANNOMATOSIS, VESTIBULAR. Identifiers: Orphanet 637, MedGen C0027832, MONDO:0007039, OMIM 101000. Disease mechanism: loss of function.

Allele frequency attached by ClinVar (database versions not stated): TOPMed below 0.00001.

Submission:

Labcorp Genetics (formerly Invitae), Labcorp
Classification: Uncertain significance for Neurofibromatosis, type 2. Last evaluated: 2020-03-02. Review status: criteria provided, single submitter. Criteria: Invitae Variant Classification Sherloc (09022015). Collection method: clinical testing. Allele origin: germline.
Comment: In summary, the available evidence is currently insufficient to determine the role of this variant in disease. Therefore, it has been classified as a Variant of Uncertain Significance. Algorithms developed to predict the effect of missense changes on protein structure and function are either unavailable or do not agree on the potential impact of this missense change (SIFT: "Deleterious"; PolyPhen-2: "Benign"; Align-GVGD: "Class C0"). This variant has not been reported in the literature in individuals with NF2-related conditions. This variant is not present in population databases (ExAC no frequency). This sequence change replaces arginine with glycine at codon 25 of the NF2 protein (p.Arg25Gly). The arginine residue is moderately conserved and there is a moderate physicochemical difference between arginine and glycine.

NM_000268.4(NF2):c.73A>G (p.Arg25Gly)

Gene: NF2 (NF2, moesin-ezrin-radixin like (MERLIN) tumor suppressor; plus strand). Cytogenetic location: 22q12.2.
Variant type: single nucleotide variant.
Coding change: c.73A>G on transcript NM_000268.4 (MANE Select); coding-DNA position 73, A replaced by G.
Protein change: p.Arg25Gly; replaces arginine 25 with glycine.
Molecular consequence: missense variant. On other transcripts: non-coding transcript variant (1).
Genome position (GRCh38, 1-based): chr22:29,604,071, A>G. VCF-style: chr22-29604071-A-G. GRCh37 (hg19) VCF-style: chr22-30000060-A-G.
Other names: c.73A>G, p.Arg25Gly (NM_016418.5, NM_181825.3, NM_181828.3 and 5 more transcripts); short protein forms R25G.
Identifiers: ClinVar variation 1057999 (VCV001057999.9), dbSNP rs2064716522, ClinGen allele CA411146088.
Genomic context (GRCh38, chr22:29,604,071, plus strand): 5'-ATCGCTTCCCGCATGAGCTTCAGCTCTCTCAAGAGGAAGCAACCCAAGACGTTCACCGTG[A>G]GGATCGTCACCATGGACGCCGAGATGGAGTTCAATTGCGAGGTAACCGGCCGGCAGCCCC-3'
Protein context (NP_000259.1, residues 15-35): KRKQPKTFTV[Arg25Gly]IVTMDAEMEF